The following is an entry in ClinVar:

ClinVar aggregate classification (germline): Uncertain significance (1 of 4 stars; one submission).

Conditions:
Cortical dysplasia-focal epilepsy syndrome (PTHSL1). Also called: Pitt-Hopkins-like syndrome 1. Identifiers: Orphanet 163681, Orphanet 221150, MedGen C2750246, MONDO:0012400, OMIM 610042.

Allele frequency attached by ClinVar (database versions not stated): gnomAD exomes below 0.00001.
gnomAD v4.1: 1 of 1,613,574 alleles (0.000062%); highest among the groups gnomAD compares: Non-Finnish European, 0.000085%; no homozygotes.

Submission:

Labcorp Genetics (formerly Invitae), Labcorp
Classification: Uncertain significance for Cortical dysplasia-focal epilepsy syndrome. Last evaluated: 2021-04-29. Review status: criteria provided, single submitter. Criteria: Invitae Variant Classification Sherloc (09022015). Collection method: clinical testing. Allele origin: germline.
Comment: In summary, the available evidence is currently insufficient to determine the role of this variant in disease. Therefore, it has been classified as a Variant of Uncertain Significance. Algorithms developed to predict the effect of missense changes on protein structure and function are either unavailable or do not agree on the potential impact of this missense change (SIFT: "Deleterious"; PolyPhen-2: "Benign"; Align-GVGD: "Class C25"). This variant has not been reported in the literature in individuals with CNTNAP2-related conditions. This variant is not present in population databases (ExAC no frequency). This sequence change replaces valine with isoleucine at codon 1157 of the CNTNAP2 protein (p.Val1157Ile). The valine residue is highly conserved and there is a small physicochemical difference between valine and isoleucine.

NM_014141.6(CNTNAP2):c.3469G>A (p.Val1157Ile)

Gene: CNTNAP2 (contactin associated protein 2; plus strand). Cytogenetic location: 7q36.1.
Variant type: single nucleotide variant.
Coding change: c.3469G>A on transcript NM_014141.6 (MANE Select); coding-DNA position 3469, G replaced by A.
Protein change: p.Val1157Ile; replaces valine 1157 with isoleucine.
Molecular consequence: missense variant.
Genome position (GRCh38, 1-based): chr7:148,267,120, G>A. VCF-style: chr7-148267120-G-A. GRCh37 (hg19) VCF-style: chr7-147964212-G-A.
Other names: short protein forms V1157I.
Identifiers: ClinVar variation 1391762 (VCV001391762.8), dbSNP rs920768770, ClinGen allele CA369929020.